The following is an entry in ClinVar:

NM_018127.7(ELAC2):c.117C>A (p.His39Gln)

Gene: ELAC2 (elaC ribonuclease Z 2; minus strand). Cytogenetic location: 17p12.
Variant type: single nucleotide variant.
Coding change: c.117C>A on transcript NM_018127.7 (MANE Select); coding-DNA position 117, C replaced by A.
Protein change: p.His39Gln; replaces histidine 39 with glutamine.
Molecular consequence: missense variant.
Genome position (GRCh38, 1-based): chr17:13,017,831, G>T on the plus strand (C>A on the coding strand, the complement: ELAC2 is on the minus strand). VCF-style: chr17-13017831-G-T. GRCh37 (hg19) VCF-style: chr17-12921148-G-T.
Other names: c.117C>A, p.His39Gln (NM_001165962.2, NM_173717.2); short protein forms H39Q.
Identifiers: ClinVar variation 1345218 (VCV001345218.3), dbSNP rs748570371, ClinGen allele CA398219146.
Genomic context (GRCh38, chr17:13,017,831, plus strand): 5'-GTACACGGTGTTTGGGCCGCCGGAGCACCCCGACGGTCCGCGCTTCTCTCGCGTGCGCAG[G>T]TGCCGCAGCGGGTCCTTGCGCGGCCGCTCGCGGCGGGCGGGTGCCTGCGATATGGTGCGT-3'
Protein context (NP_060597.4, residues 29-49): RERPRKDPLR[His39Gln]LRTREKRGPS

ClinVar aggregate classification (germline): Uncertain significance (1 of 4 stars; one submission).

Conditions:
Combined oxidative phosphorylation defect type 17. Also called: Combined oxidative phosphorylation deficiency 17. Identifiers: Orphanet 369913, MedGen C3809526, MONDO:0014190, OMIM 615440.

Submission:

Labcorp Genetics (formerly Invitae), Labcorp
Classification: Uncertain significance for Combined oxidative phosphorylation defect type 17. Last evaluated: 2022-08-23. Review status: criteria provided, single submitter. Criteria: Invitae Variant Classification Sherloc (09022015). Collection method: clinical testing. Allele origin: germline.
Comment: This sequence change replaces histidine, which is basic and polar, with glutamine, which is neutral and polar, at codon 39 of the ELAC2 protein (p.His39Gln). This variant is present in population databases (no rsID available, gnomAD 0.007%). This variant has not been reported in the literature in individuals affected with ELAC2-related conditions. ClinVar contains an entry for this variant (Variation ID: 1345218). Algorithms developed to predict the effect of missense changes on protein structure and function are either unavailable or do not agree on the potential impact of this missense change (SIFT: "Tolerated"; PolyPhen-2: "Possibly Damaging"; Align-GVGD: "Class C0"). In summary, the available evidence is currently insufficient to determine the role of this variant in disease. Therefore, it has been classified as a Variant of Uncertain Significance.